The following is an entry in ClinVar:

NM_016247.4(IMPG2):c.2892A>G (p.Arg964=)

Gene: IMPG2 (interphotoreceptor matrix proteoglycan 2; minus strand). Cytogenetic location: 3q12.3.
Variant type: single nucleotide variant.
Coding change: c.2892A>G on transcript NM_016247.4 (MANE Select); coding-DNA position 2892, A replaced by G.
Protein change: p.Arg964=; no amino-acid change (arginine 964 retained).
Molecular consequence: synonymous variant.
Genome position (GRCh38, 1-based): chr3:101,242,818, T>C on the plus strand (A>G on the coding strand, the complement: IMPG2 is on the minus strand). VCF-style: chr3-101242818-T-C. GRCh37 (hg19) VCF-style: chr3-100961662-T-C.
Identifiers: ClinVar variation 2654008 (VCV002654008.24), dbSNP rs2508940521, ClinGen allele CA434712540.

ClinVar aggregate classification (germline): Likely benign (1 of 4 stars; one submission).

Submission:

CeGaT Center for Human Genetics Tuebingen
Classification: Likely benign. Last evaluated: 2022-10-01. Review status: criteria provided, single submitter. Criteria: CeGaT Center For Human Genetics Tuebingen Variant Classification Criteria Version 2. Collection method: clinical testing. Allele origin: germline. Affected: yes. Observed: 1 variant allele.
Comment: IMPG2: PM2:Supporting, BP4, BP7